The following is an entry in ClinVar:

NM_000059.4(BRCA2):c.8840A>T (p.Glu2947Val)

Gene: BRCA2 (BRCA2 DNA repair associated; plus strand). Cytogenetic location: 13q13.1.
Variant type: single nucleotide variant.
Coding change: c.8840A>T on transcript NM_000059.4 (MANE Select); coding-DNA position 8840, A replaced by T.
Protein change: p.Glu2947Val; replaces glutamic acid 2947 with valine.
Molecular consequence: missense variant.
Genome position (GRCh38, 1-based): chr13:32,379,402, A>T. VCF-style: chr13-32379402-A-T. GRCh37 (hg19) VCF-style: chr13-32953539-A-T.
Other names: short protein forms E2947V.
Identifiers: ClinVar variation 656672 (VCV000656672.9), dbSNP rs1593936687, ClinGen allele CA387756218.
Genomic context (GRCh38, chr13:32,379,402, plus strand): 5'-GAGCCTTGAATAATCACAGGCAAATGTTGAATGATAAGAAACAAGCTCAGATCCAGTTGG[A>T]AATTAGGAAGGCCATGGAATCTGCTGAACAAAAGGAACAAGGTTTATCAAGGGATGTCAC-3'
Protein context (NP_000050.3, residues 2937-2957): NDKKQAQIQL[Glu2947Val]IRKAMESAEQ

ClinVar aggregate classification (germline): Uncertain significance (1 of 4 stars; one submission).

Conditions:
Hereditary breast ovarian cancer syndrome. Also called: Hereditary breast and ovarian cancer; Hereditary breast and/or ovarian cancer syndrome; Breast and ovarian cancer; BRCA1- and BRCA2-Associated Hereditary Breast and Ovarian Cancer; Hereditary breast and ovarian cancer syndrome; Hereditary breast and ovarian cancer syndrome (HBOC). Identifiers: Orphanet 145, MedGen C0677776, MeSH D061325, MONDO:0003582. Disease mechanism: loss of function.

Submission:

Labcorp Genetics (formerly Invitae), Labcorp
Classification: Uncertain significance for Hereditary breast ovarian cancer syndrome. Last evaluated: 2018-09-24. Review status: criteria provided, single submitter. Criteria: Invitae Variant Classification Sherloc (09022015). Collection method: clinical testing. Allele origin: germline.
Comment: In summary, the available evidence is currently insufficient to determine the role of this variant in disease. Therefore, it has been classified as a Variant of Uncertain Significance. Algorithms developed to predict the effect of missense changes on protein structure and function are either unavailable or do not agree on the potential impact of this missense change (SIFT: "Deleterious"; PolyPhen-2: "Probably Damaging"; Align-GVGD: "Class C0"). Algorithms developed to predict the effect of sequence changes on RNA splicing suggest that this variant may create or strengthen a splice site, but this prediction has not been confirmed by published transcriptional studies. This variant has not been reported in the literature in individuals with BRCA2-related disease. This variant is not present in population databases (ExAC no frequency). This sequence change replaces glutamic acid with valine at codon 2947 of the BRCA2 protein (p.Glu2947Val). The glutamic acid residue is moderately conserved and there is a moderate physicochemical difference between glutamic acid and valine.